The following is an entry in ClinVar:

NM_001385641.1(SAMD11):c.1922C>T (p.Ala641Val)

Gene: SAMD11 (sterile alpha motif domain containing 11; plus strand). Cytogenetic location: 1p36.33.
Variant type: single nucleotide variant.
Coding change: c.1922C>T on transcript NM_001385641.1 (MANE Select); coding-DNA position 1922, C replaced by T.
Protein change: p.Ala641Val; replaces alanine 641 with valine.
Molecular consequence: missense variant.
Genome position (GRCh38, 1-based): chr1:942,927, C>T. VCF-style: chr1-942927-C-T. GRCh37 (hg19) VCF-style: chr1-878307-C-T.
Other names: c.1925C>T, p.Ala642Val (NM_001385640.1); c.1433C>T, p.Ala478Val (NM_152486.4); short protein forms A478V, A641V, A642V.
Identifiers: ClinVar variation 1063067 (VCV001063067.9), dbSNP rs781629625, ClinGen allele CA337812376.

ClinVar aggregate classification (germline): Uncertain significance (1 of 4 stars; one submission).

Submission:

Labcorp Genetics (formerly Invitae), Labcorp
Classification: Uncertain significance. Last evaluated: 2020-03-26. Review status: criteria provided, single submitter. Criteria: Invitae Variant Classification Sherloc (09022015). Collection method: clinical testing. Allele origin: germline.
Comment: Algorithms developed to predict the effect of missense changes on protein structure and function output the following: SIFT: "Tolerated"; PolyPhen-2: "Benign"; Align-GVGD: "Class C0". The valine amino acid residue is found in multiple mammalian species, suggesting that this missense change does not adversely affect protein function. These predictions have not been confirmed by published functional studies and their clinical significance is uncertain. In summary, the available evidence is currently insufficient to determine the role of this variant in disease. Therefore, it has been classified as a Variant of Uncertain Significance. This variant has not been reported in the literature in individuals with SAMD11-related conditions. This sequence change replaces alanine with valine at codon 478 of the SAMD11 protein (p.Ala478Val). The alanine residue is moderately conserved and there is a small physicochemical difference between alanine and valine. The frequency data for this variant in the population databases is considered unreliable, as metrics indicate insufficient coverage at this position in the ExAC database.